The following is an entry in ClinVar:

NM_001458.5(FLNC):c.5557del (p.Tyr1853fs)

Genes: FLNC (filamin C; plus strand), FLNC-AS1 (FLNC antisense RNA 1; minus strand). Cytogenetic location: 7q32.1.
Variant type: Deletion.
Coding change: c.5557del on transcript NM_001458.5 (MANE Select); coding-DNA position 5557, one base deleted (T; older notation c.5557delT).
Protein change: p.Tyr1853fs; shifts the reading frame from tyrosine 1853.
Molecular consequence: frameshift variant.
Genome position (GRCh38, 1-based): chr7:128,851,249, T deleted. VCF-style (leftmost placement, unchanged base first): chr7-128851248-CT-C. GRCh37 (hg19) VCF-style: chr7-128491302-CT-C.
Other names: c.5458del, p.Tyr1820fs (NM_001127487.2); short protein forms Y1820fs, Y1853fs.
Identifiers: ClinVar variation 1074200 (VCV001074200.7), dbSNP rs2128938355, ClinGen allele CA2499218746.
Genomic context (GRCh38, chr7:128,851,248, plus strand): 5'-AATCCCTGATGCTGACCCAGCCCCCTTTTTCTCTGTATCCCCAGGGAGCCCCTTACAGTT[CT>C]ATGTGGATGCCATCAACAGCCGCCATGTCAGTGCCTATGGGCCAGGCCTGAGCCATGGCA-3'

ClinVar aggregate classification (germline): Pathogenic (1 of 4 stars; one submission).

Conditions:
Myofibrillar myopathy 5. Also called: FILAMINOPATHY, AUTOSOMAL DOMINANT; Filaminopathy (type). Identifiers: Orphanet 171445, MedGen C1836050, MONDO:0012289, OMIM 609524.
Distal myopathy with posterior leg and anterior hand involvement. Also called: WILLIAMS DISTAL MYOPATHY. Identifiers: Orphanet 63273, MedGen C3279722, MONDO:0013550, OMIM 614065.
Hypertrophic cardiomyopathy 26. Also called: Cardiomyopathy, familial hypertrophic, 26. Identifiers: Orphanet 75249, MedGen C4310749, MONDO:0014883, OMIM 617047.

Submission:

Labcorp Genetics (formerly Invitae), Labcorp
Classification: Pathogenic for Distal myopathy with posterior leg and anterior hand involvement; Myofibrillar myopathy 5; Hypertrophic cardiomyopathy 26. Last evaluated: 2022-11-01. Review status: criteria provided, single submitter. Criteria: Invitae Variant Classification Sherloc (09022015). Collection method: clinical testing. Allele origin: germline.
Comment: For these reasons, this variant has been classified as Pathogenic. ClinVar contains an entry for this variant (Variation ID: 1074200). This variant has not been reported in the literature in individuals affected with FLNC-related conditions. This variant is not present in population databases (gnomAD no frequency). This sequence change creates a premature translational stop signal (p.Tyr1853Metfs*17) in the FLNC gene. It is expected to result in an absent or disrupted protein product. Loss-of-function variants in FLNC are known to be pathogenic (PMID: 27908349).

Literature cited by the submitters: PubMed 27908349.